The following is an entry in ClinVar:

NM_004787.4(SLIT2):c.2767C>T (p.Leu923=)

Gene: SLIT2 (slit guidance ligand 2; plus strand). Cytogenetic location: 4p15.31.
Variant type: single nucleotide variant.
Coding change: c.2767C>T on transcript NM_004787.4 (MANE Select); coding-DNA position 2767, C replaced by T.
Protein change: p.Leu923=; no amino-acid change (leucine 923 retained).
Molecular consequence: synonymous variant.
Genome position (GRCh38, 1-based): chr4:20,567,303, C>T. VCF-style: chr4-20567303-C-T. GRCh37 (hg19) VCF-style: chr4-20568926-C-T.
Other names: c.2743C>T, p.Leu915= (NM_001289136.3); c.2755C>T, p.Leu919= (NM_001289135.3).
Identifiers: ClinVar variation 3029737 (VCV003029737.2), dbSNP rs2546617348, ClinGen allele CA438894233.

ClinVar aggregate classification (germline): Likely benign (0 of 4 stars; one submission).

Conditions:
SLIT2-related disorder. Also called: SLIT2-related condition.

Submission:

PreventionGenetics, part of Exact Sciences
Classification: Likely benign for SLIT2-related condition. Last evaluated: 2021-06-22. Review status: no assertion criteria provided. Collection method: clinical testing. Allele origin: germline.
Comment: This variant is classified as likely benign based on ACMG/AMP sequence variant interpretation guidelines (Richards et al. 2015 PMID: 25741868, with internal and published modifications).